The following is an entry in ClinVar:

NM_001042492.3(NF1):c.7988C>A (p.Ser2663Tyr)

Gene: NF1 (neurofibromin 1; plus strand). Cytogenetic location: 17q11.2.
Variant type: single nucleotide variant.
Coding change: c.7988C>A on transcript NM_001042492.3 (MANE Select); coding-DNA position 7988, C replaced by A.
Protein change: p.Ser2663Tyr; replaces serine 2663 with tyrosine.
Molecular consequence: missense variant.
Genome position (GRCh38, 1-based): chr17:31,358,497, C>A. VCF-style: chr17-31358497-C-A. GRCh37 (hg19) VCF-style: chr17-29685515-C-A.
Other names: c.7925C>A, p.Ser2642Tyr (NM_000267.4); short protein forms S2642Y, S2663Y.
Identifiers: ClinVar variation 1715069 (VCV001715069.6), dbSNP rs786202579, ClinGen allele CA399203622.

ClinVar aggregate classification (germline): Uncertain significance. Review status: criteria provided, multiple submitters, no conflicts (2 of 4 stars). 2 submissions from 2 submitters: Uncertain significance (2). Last evaluated 2024-02-29.

Conditions:
Neurofibromatosis, type 1 (NF1). Also called: Peripheral type neurofibromatosis; VON RECKLINGHAUSEN DISEASE; NEUROFIBROMATOSIS, TYPE I, SOMATIC; Neurofibromatosis, type I. Identifiers: Orphanet 636, MedGen C0027831, MONDO:0018975, OMIM 162200. Disease mechanism: loss of function.

Submissions (2):

GeneDx
Classification: Uncertain significance. Last evaluated: 2024-02-29. Review status: criteria provided, single submitter. Criteria: GeneDx Variant Classification Process June 2021. Collection method: clinical testing. Allele origin: germline. Affected: yes.
Comment: Not observed at significant frequency in large population cohorts (gnomAD); In silico analysis supports that this missense variant has a deleterious effect on protein structure/function; Has not been previously published as pathogenic or benign to our knowledge; This variant is associated with the following publications: (PMID: 25486365)

Labcorp Genetics (formerly Invitae), Labcorp
Classification: Uncertain significance for Neurofibromatosis, type 1. Last evaluated: 2023-11-02. Review status: criteria provided, single submitter. Criteria: Invitae Variant Classification Sherloc (09022015). Collection method: clinical testing. Allele origin: germline.
Comment: This sequence change replaces serine, which is neutral and polar, with tyrosine, which is neutral and polar, at codon 2642 of the NF1 protein (p.Ser2642Tyr). This variant is not present in population databases (gnomAD no frequency). This variant has not been reported in the literature in individuals affected with NF1-related conditions. ClinVar contains an entry for this variant (Variation ID: 1715069). Advanced modeling of protein sequence and biophysical properties (such as structural, functional, and spatial information, amino acid conservation, physicochemical variation, residue mobility, and thermodynamic stability) has been performed at Invitae for this missense variant, however the output from this modeling did not meet the statistical confidence thresholds required to predict the impact of this variant on NF1 protein function. In summary, the available evidence is currently insufficient to determine the role of this variant in disease. Therefore, it has been classified as a Variant of Uncertain Significance.